The following is an entry in ClinVar:

NM_001384140.1(PCDH15):c.2221-189T>A

Gene: PCDH15 (protocadherin related 15; minus strand). Cytogenetic location: 10q21.1.
Variant type: single nucleotide variant.
Coding change: c.2221-189T>A on transcript NM_001384140.1 (MANE Select); 189 bases into the intron before coding-DNA position 2221, T replaced by A.
Molecular consequence: intron variant.
Genome position (GRCh38, 1-based): chr10:54,023,386, A>T on the plus strand (T>A on the coding strand, the complement: PCDH15 is on the minus strand). VCF-style: chr10-54023386-A-T. GRCh37 (hg19) VCF-style: chr10-55783146-A-T.
Other names: c.2221-189T>A (NM_001354420.2, NM_001354429.2, NM_001142772.2 and 5 more transcripts); c.2236-189T>A (NM_001142771.2, NM_001142763.2); c.2242-189T>A (NM_001354411.2); c.2257-189T>A (NM_001142769.3); c.2155-189T>A (NM_001354404.2, NM_001142773.2, NM_001142768.2); c.2110-189T>A (NM_001142767.2); c.2008-189T>A (NM_001142765.2).
Identifiers: ClinVar variation 678854 (VCV000678854.1), dbSNP rs4146645, ClinGen allele CA13244087.

ClinVar aggregate classification (germline): Benign (1 of 4 stars; one submission).

Allele frequency attached by ClinVar (database versions not stated): gnomAD 0.41605 and 0.41884; TOPMed 0.42105; 1000 Genomes Project 0.34425; 1000 Genomes Project 30x 0.34603.
gnomAD v4.1: 63,243 of 151,424 alleles (42%); highest among the groups gnomAD compares: Middle Eastern, 63%; 14,417 homozygotes.

Submission:

GeneDx
Classification: Benign. Last evaluated: 2018-06-14. Review status: criteria provided, single submitter. Criteria: GeneDx Variant Classification (06012015). Collection method: clinical testing. Allele origin: germline. Affected: yes.
Comment: This variant is considered likely benign or benign based on one or more of the following criteria: it is a conservative change, it occurs at a poorly conserved position in the protein, it is predicted to be benign by multiple in silico algorithms, and/or has population frequency not consistent with disease.